The following is an entry in ClinVar:

ClinVar aggregate classification (germline): Uncertain significance. Review status: criteria provided, multiple submitters, no conflicts (2 of 4 stars). 2 submissions from 2 submitters: Uncertain significance (2). Last evaluated 2026-07-15.

Conditions:
Hereditary cancer-predisposing syndrome. Also called: Neoplastic Syndromes, Hereditary; Hereditary neoplastic syndrome; Hereditary Cancer Syndrome; Tumor predisposition. Identifiers: Orphanet 140162, MedGen C0027672, MeSH D009386, MONDO:0015356.
Neuroblastoma, susceptibility to, 3. Also called: ALK-Related Neuroblastic Tumor Susceptibility. Identifiers: Orphanet 635, MedGen C2751681, MONDO:0013083, OMIM 613014.

Allele frequency attached by ClinVar (database versions not stated): gnomAD exomes below 0.00001.
gnomAD v4.1: 3 of 1,614,172 alleles (0.00019%); highest among the groups gnomAD compares: Non-Finnish European, 0.00025%; no homozygotes.

Submissions (2):

Ambry Genetics
Classification: Uncertain significance for Hereditary cancer-predisposing syndrome. Last evaluated: 2026-07-15. Review status: criteria provided, single submitter. Criteria: Ambry Variant Classification Scheme 2023. Collection method: clinical testing. Allele origin: germline.
Comment: The p.E1077K variant (also known as c.3229G>A), located in coding exon 20 of the ALK gene, results from a G to A substitution at nucleotide position 3229. The glutamic acid at codon 1077 is replaced by lysine, an amino acid with similar properties. This amino acid position is not well conserved in available vertebrate species. In addition, the in silico prediction for this alteration is inconclusive. Based on the available evidence, the clinical significance of this variant remains unclear.

Labcorp Genetics (formerly Invitae), Labcorp
Classification: Uncertain significance for Neuroblastoma, susceptibility to, 3. Last evaluated: 2025-05-27. Review status: criteria provided, single submitter. Criteria: Invitae Variant Classification Sherloc (09022015). Collection method: clinical testing. Allele origin: germline.
Comment: This sequence change replaces glutamic acid, which is acidic and polar, with lysine, which is basic and polar, at codon 1077 of the ALK protein (p.Glu1077Lys). This variant is not present in population databases (gnomAD no frequency). This variant has not been reported in the literature in individuals affected with ALK-related conditions. ClinVar contains an entry for this variant (Variation ID: 470822). An algorithm developed to predict the effect of missense changes on protein structure and function (PolyPhen-2) suggests that this variant is likely to be tolerated. In summary, the available evidence is currently insufficient to determine the role of this variant in disease. Therefore, it has been classified as a Variant of Uncertain Significance.

NM_004304.5(ALK):c.3229G>A (p.Glu1077Lys)

Gene: ALK (ALK receptor tyrosine kinase; minus strand). Cytogenetic location: 2p23.2.
Variant type: single nucleotide variant.
Coding change: c.3229G>A on transcript NM_004304.5 (MANE Select); coding-DNA position 3229, G replaced by A.
Protein change: p.Glu1077Lys; replaces glutamic acid 1077 with lysine.
Molecular consequence: missense variant.
Genome position (GRCh38, 1-based): chr2:29,223,472, C>T on the plus strand (G>A on the coding strand, the complement: ALK is on the minus strand). VCF-style: chr2-29223472-C-T. GRCh37 (hg19) VCF-style: chr2-29446338-C-T.
Other names: c.25G>A, p.Glu9Lys (NM_001353765.2); short protein forms E1077K, E9K.
Identifiers: ClinVar variation 470822 (VCV000470822.9), dbSNP rs1553394491, ClinGen allele CA346465412.
Genomic context (GRCh38, chr2:29,223,472, plus strand): 5'-AGTAGTTGGGGTTGTAGTCGGTCATGATGGTCGAGGTGCGGAGCTTGCTCAGCTTGTACT[C>T]AGGGCTCTGCAGCTCCATCTGCATGGCTTGCAGCTCCTGGTGCTTCCGGCGGTACACTGC-3'
Protein context (NP_004295.2, residues 1067-1087): QAMQMELQSP[Glu1077Lys]YKLSKLRTST